The following is an entry in ClinVar:

ClinVar aggregate classification (germline): Pathogenic (1 of 4 stars; one submission).

Submission:

Labcorp Genetics (formerly Invitae), Labcorp
Classification: Pathogenic. Last evaluated: 2023-04-20. Review status: criteria provided, single submitter. Criteria: Invitae Variant Classification Sherloc (09022015). Collection method: clinical testing. Allele origin: germline.
Comment: For these reasons, this variant has been classified as Pathogenic. This variant has not been reported in the literature in individuals affected with SEPSECS-related conditions. This variant is not present in population databases (gnomAD no frequency). This sequence change creates a premature translational stop signal (p.Leu329Trpfs*6) in the SEPSECS gene. It is expected to result in an absent or disrupted protein product. Loss-of-function variants in SEPSECS are known to be pathogenic (PMID: 25558065, 25590979, 26115735).

Literature cited by the submitters: PubMed 25558065; PubMed 25590979; PubMed 26115735.

NM_016955.4(SEPSECS):c.985_986del (p.Leu329fs)

Gene: SEPSECS (Sep (O-phosphoserine) tRNA:Sec (selenocysteine) tRNA synthase; minus strand). Cytogenetic location: 4p15.2.
Variant type: Deletion.
Coding change: c.985_986del on transcript NM_016955.4 (MANE Select); coding-DNA positions 985 to 986, 2 bases deleted (CT; older notation c.985_986delCT).
Protein change: p.Leu329fs; shifts the reading frame from leucine 329.
Molecular consequence: frameshift variant.
Genome position (GRCh38, 1-based): chr4:25,144,814-25,144,815, AG deleted on the plus strand (CT on the coding strand, the reverse complement: SEPSECS is on the minus strand). VCF-style (leftmost placement, unchanged base first): chr4-25144813-AAG-A. GRCh37 (hg19) VCF-style: chr4-25146435-AAG-A.
Other names: c.1240_1241del, p.Leu414fs (NM_001410714.1); c.985_986delCT, p.Leu329Trpfs (NM_153825.2); short protein forms L414fs, L329fs.
Identifiers: ClinVar variation 2857979 (VCV002857979.3), dbSNP rs2474660081, ClinGen allele CA2739270037.